The following is an entry in ClinVar:

NM_003151.4(STAT4):c.136G>T (p.Ala46Ser)

Gene: STAT4 (signal transducer and activator of transcription 4; minus strand). Cytogenetic location: 2q32.3.
Variant type: single nucleotide variant.
Coding change: c.136G>T on transcript NM_003151.4 (MANE Select); coding-DNA position 136, G replaced by T.
Protein change: p.Ala46Ser; replaces alanine 46 with serine.
Molecular consequence: missense variant.
Genome position (GRCh38, 1-based): chr2:191,146,750, C>A on the plus strand (G>T on the coding strand, the complement: STAT4 is on the minus strand). VCF-style: chr2-191146750-C-A. GRCh37 (hg19) VCF-style: chr2-192011476-C-A.
Other names: c.136G>T, p.Ala46Ser (NM_001243835.2); short protein forms A46S.
Identifiers: ClinVar variation 2059104 (VCV002059104.4), dbSNP rs2471010207, ClinGen allele CA350002685.

ClinVar aggregate classification (germline): Uncertain significance (1 of 4 stars; one submission).

Submission:

Labcorp Genetics (formerly Invitae), Labcorp
Classification: Uncertain significance. Last evaluated: 2021-12-24. Review status: criteria provided, single submitter. Criteria: Invitae Variant Classification Sherloc (09022015). Collection method: clinical testing. Allele origin: germline.
Comment: This sequence change replaces alanine, which is neutral and non-polar, with serine, which is neutral and polar, at codon 46 of the STAT4 protein (p.Ala46Ser). This variant is not present in population databases (gnomAD no frequency). This variant has not been reported in the literature in individuals affected with STAT4-related conditions. Algorithms developed to predict the effect of missense changes on protein structure and function are either unavailable or do not agree on the potential impact of this missense change (SIFT: "Deleterious"; PolyPhen-2: "Probably Damaging"; Align-GVGD: "Class C0"). In summary, the available evidence is currently insufficient to determine the role of this variant in disease. Therefore, it has been classified as a Variant of Uncertain Significance.